The following is an entry in ClinVar:

ClinVar aggregate classification (germline): Conflicting classifications of pathogenicity. Review status: criteria provided, conflicting classifications (1 of 4 stars). 3 submissions from 3 submitters: Uncertain significance (2); Benign (1). Last evaluated 2024-12-25.

Conditions:
Inborn genetic diseases. Identifiers: MedGen C0950123, MeSH D030342.
Cognitive impairment - coarse facies - heart defects - obesity - pulmonary involvement - short stature - skeletal dysplasia syndrome. Also called: COGNITIVE IMPAIRMENT, COARSE FACIES, HEART DEFECTS, OBESITY, PULMONARY INVOLVEMENT, SHORT STATURE, AND SKELETAL DYSPLASIA; Chops syndrome; AFF4-Related CHOPS Syndrome. Identifiers: Orphanet 444077, MedGen C4085597, MONDO:0014609, OMIM 616368.

Allele frequency attached by ClinVar (database versions not stated): TOPMed 0.00001.
gnomAD v4.1: 5 of 1,614,112 alleles (0.00031%); highest among the groups gnomAD compares: Admixed American, 0.005%; no homozygotes.

Submissions (3):

Ambry Genetics
Classification: Uncertain significance for Inborn genetic diseases. Last evaluated: 2024-12-25. Review status: criteria provided, single submitter. Criteria: Ambry Variant Classification Scheme 2023. Collection method: clinical testing. Allele origin: germline.

Labcorp Genetics (formerly Invitae), Labcorp
Classification: Uncertain significance for Cognitive impairment - coarse facies - heart defects - obesity - pulmonary involvement - short stature - skeletal dysplasia syndrome. Last evaluated: 2024-02-22. Review status: criteria provided, single submitter. Criteria: Invitae Variant Classification Sherloc (09022015). Collection method: clinical testing. Allele origin: germline.
Comment: This sequence change replaces glycine, which is neutral and non-polar, with arginine, which is basic and polar, at codon 829 of the AFF4 protein (p.Gly829Arg). This variant is not present in population databases (gnomAD no frequency). This variant has not been reported in the literature in individuals affected with AFF4-related conditions. ClinVar contains an entry for this variant (Variation ID: 1686387). Advanced modeling of protein sequence and biophysical properties (such as structural, functional, and spatial information, amino acid conservation, physicochemical variation, residue mobility, and thermodynamic stability) performed at Invitae indicates that this missense variant is not expected to disrupt AFF4 protein function with a negative predictive value of 80%. In summary, the available evidence is currently insufficient to determine the role of this variant in disease. Therefore, it has been classified as a Variant of Uncertain Significance.

Mendelics
Classification: Benign. Last evaluated: 2022-05-04. Review status: criteria provided, single submitter. Criteria: Mendelics Assertion Criteria 2019. Collection method: clinical testing. Allele origin: germline.

NM_014423.4(AFF4):c.2485G>C (p.Gly829Arg)

Gene: AFF4 (ALF transcription elongation factor 4; minus strand). Cytogenetic location: 5q31.1.
Variant type: single nucleotide variant.
Coding change: c.2485G>C on transcript NM_014423.4 (MANE Select); coding-DNA position 2485, G replaced by C.
Protein change: p.Gly829Arg; replaces glycine 829 with arginine.
Molecular consequence: missense variant.
Genome position (GRCh38, 1-based): chr5:132,892,316, C>G on the plus strand (G>C on the coding strand, the complement: AFF4 is on the minus strand). VCF-style: chr5-132892316-C-G. GRCh37 (hg19) VCF-style: chr5-132228008-C-G.
Other names: c.2485G>C (NM_014423.3); short protein forms G829R.
Identifiers: ClinVar variation 1686387 (VCV001686387.5), dbSNP rs763295786, ClinGen allele CA360929193.